The following is an entry in ClinVar:

NM_006231.4(POLE):c.742T>C (p.Tyr248His)

Gene: POLE (DNA polymerase epsilon, catalytic subunit; minus strand). Cytogenetic location: 12q24.33.
Variant type: single nucleotide variant.
Coding change: c.742T>C on transcript NM_006231.4 (MANE Select); coding-DNA position 742, T replaced by C.
Protein change: p.Tyr248His; replaces tyrosine 248 with histidine.
Molecular consequence: missense variant.
Genome position (GRCh38, 1-based): chr12:132,677,422, A>G on the plus strand (T>C on the coding strand, the complement: POLE is on the minus strand). VCF-style: chr12-132677422-A-G. GRCh37 (hg19) VCF-style: chr12-133254008-A-G.
Other names: short protein forms Y248H.
Identifiers: ClinVar variation 1685027 (VCV001685027.3), dbSNP rs2136018785, ClinGen allele CA387364517.
Genomic context (GRCh38, chr12:132,677,422, plus strand): 5'-CAGGTCGTTCAACAAGGTCATCTCGGCGGGTGATTTCTACCGGAAAAGCATTTCCTCGGT[A>G]TCTGACATTGTACCAATGAGCCTGCAAAACACACAGTGTGCTAACTAGAGTTCTACATCC-3'
Protein context (NP_006222.2, residues 238-258): IHVAHWYNVR[Tyr248His]RGNAFPVEIT

ClinVar aggregate classification (germline): Uncertain significance. Review status: criteria provided, multiple submitters, no conflicts (2 of 4 stars). 2 submissions from 2 submitters: Uncertain significance (2). Last evaluated 2024-08-28.

Submissions (2):

Labcorp Genetics (formerly Invitae), Labcorp
Classification: Uncertain significance. Last evaluated: 2024-08-28. Review status: criteria provided, single submitter. Criteria: Invitae Variant Classification Sherloc (09022015). Collection method: clinical testing. Allele origin: germline.
Comment: This sequence change replaces tyrosine, which is neutral and polar, with histidine, which is basic and polar, at codon 248 of the POLE protein (p.Tyr248His). This variant is not present in population databases (gnomAD no frequency). This variant has not been reported in the literature in individuals affected with POLE-related conditions. ClinVar contains an entry for this variant (Variation ID: 1685027). Invitae Evidence Modeling of protein sequence and biophysical properties (such as structural, functional, and spatial information, amino acid conservation, physicochemical variation, residue mobility, and thermodynamic stability) indicates that this missense variant is not expected to disrupt POLE protein function with a negative predictive value of 80%. In summary, the available evidence is currently insufficient to determine the role of this variant in disease. Therefore, it has been classified as a Variant of Uncertain Significance.

Mendelics
Classification: Uncertain significance. Last evaluated: 2022-05-04. Review status: criteria provided, single submitter. Criteria: Mendelics Assertion Criteria 2019. Collection method: clinical testing. Allele origin: germline.